The following is an entry in ClinVar:

ClinVar aggregate classification (germline): Benign/Likely benign. Review status: criteria provided, multiple submitters, no conflicts (2 of 4 stars). 2 submissions from 2 submitters: Benign (1); Likely benign (1). Last evaluated 2025-10-09.

Conditions:
ALG9 congenital disorder of glycosylation (CDG1L). Also called: ALG9-CDG; CONGENITAL DISORDER OF GLYCOSYLATION, TYPE Il; CDG Il. Identifiers: Orphanet 79328, MedGen C2931006, MONDO:0012117, OMIM 608776.

Allele frequency attached by ClinVar (database versions not stated): ExAC 0.01614; 1000 Genomes Project 0.16753.

Submissions (7):

Labcorp Genetics (formerly Invitae), Labcorp
Classification: Likely benign for ALG9 congenital disorder of glycosylation. Last evaluated: 2025-10-09. Review status: criteria provided, single submitter. Criteria: Invitae Variant Classification Sherloc (09022015). Collection method: clinical testing. Allele origin: germline.

GeneDx
Classification: Benign. Last evaluated: 2016-10-19. Review status: criteria provided, single submitter. Criteria: GeneDx Variant Classification (06012015). Collection method: clinical testing. Allele origin: germline. Affected: yes.
Comment: This variant is considered likely benign or benign based on one or more of the following criteria: it is a conservative change, it occurs at a poorly conserved position in the protein, it is predicted to be benign by multiple in silico algorithms, and/or has population frequency not consistent with disease.

Dr. Peter K. Rogan Lab, Western University
No classification provided (evidence only). Condition: Acute myeloid leukemia. Review status: no classification provided. Collection method: in vitro. Allele origin: not applicable. Functional consequence: skipped exon. Not counted in ClinVar's aggregate classification.

Dr. Peter K. Rogan Lab, Western University
No classification provided (evidence only). Condition: Acute myeloid leukemia. Review status: no classification provided. Collection method: in vitro. Allele origin: not applicable. Functional consequence: retained intron. Not counted in ClinVar's aggregate classification.

Dr. Peter K. Rogan Lab, Western University
No classification provided (evidence only). Condition: Cholangiocarcinoma. Review status: no classification provided. Collection method: in vitro. Allele origin: not applicable. Functional consequence: retained intron. Not counted in ClinVar's aggregate classification.

Dr. Peter K. Rogan Lab, Western University
No classification provided (evidence only). Condition: Gastric cancer. Review status: no classification provided. Collection method: in vitro. Allele origin: not applicable. Functional consequence: skipped exon. Not counted in ClinVar's aggregate classification.

Dr. Peter K. Rogan Lab, Western University
No classification provided (evidence only). Condition: Gastric cancer. Review status: no classification provided. Collection method: in vitro. Allele origin: not applicable. Functional consequence: skipped exon. Not counted in ClinVar's aggregate classification.

NM_024740.2(ALG9):c.132-12G>T

Gene: ALG9 (ALG9 alpha-1,2-mannosyltransferase; minus strand). Cytogenetic location: 11q23.1.
Variant type: single nucleotide variant.
Coding change: c.132-12G>T on transcript NM_024740.2 (MANE Select); 12 bases into the intron before coding-DNA position 132, G replaced by T.
Molecular consequence: intron variant.
Genome position (GRCh38, 1-based): chr11:111,870,382, C>A on the plus strand (G>T on the coding strand, the complement: ALG9 is on the minus strand). VCF-style: chr11-111870382-C-A. GRCh37 (hg19) VCF-style: chr11-111741105-C-A.
Other names: NC_000011.9:g.111741105C>A; c.-244+970G>T (NM_001352409.1); c.132-12G>T (NM_001352418.1, NM_001352417.1, NM_001077690.1); c.-386-12G>T (NM_001352410.1, NM_001352413.1, NM_001352423.2 and 2 more transcripts); c.-382-12G>T (NM_001352412.2, NM_001352414.2, NM_001077692.2 and 5 more transcripts); c.-600-12G>T (NM_001352422.2).
Identifiers: ClinVar variation 380585 (VCV000380585.3), dbSNP rs546089281, ClinGen allele CA6274764.
Genomic context (GRCh38, chr11:111,870,382, plus strand): 5'-AGTAGATCCTTCAGGTGCCCAGACTTGTCCTGCTTTGTTCCCAGATAACCTGTTCAAAAG[C>A]AAAAAAAAAAAAAAAAAAAAAAGCATGTCAGGAAGGACCTGCTAATCAGAAGACCTAAAT-3'